The following is an entry in ClinVar:

NM_005027.4(PIK3R2):c.1032C>T (p.Leu344=)

Gene: PIK3R2 (phosphoinositide-3-kinase regulatory subunit 2; plus strand). Cytogenetic location: 19p13.11.
Variant type: single nucleotide variant.
Coding change: c.1032C>T on transcript NM_005027.4 (MANE Select); coding-DNA position 1032, C replaced by T.
Protein change: p.Leu344=; no amino-acid change (leucine 344 retained).
Molecular consequence: synonymous variant. On other transcripts: non-coding transcript variant (2).
Genome position (GRCh38, 1-based): chr19:18,162,429, C>T. VCF-style: chr19-18162429-C-T. GRCh37 (hg19) VCF-style: chr19-18273239-C-T.
Identifiers: ClinVar variation 4875363 (VCV004875363.2).

ClinVar aggregate classification (germline): Likely benign (1 of 4 stars; one submission).

Submission:

CeGaT Center for Human Genetics Tuebingen
Classification: Likely benign. Last evaluated: 2026-06-01. Review status: criteria provided, single submitter. Criteria: CeGaT Center For Human Genetics Tuebingen Variant Classification Criteria Version 2. Collection method: clinical testing. Allele origin: germline. Affected: yes. Observed: 1 variant allele.
Comment: PIK3R2: PM2:Supporting, BP4, BP7